The following is an entry in ClinVar:

ClinVar aggregate classification (germline): Uncertain significance. Review status: criteria provided, multiple submitters, no conflicts (2 of 4 stars). 3 submissions from 3 submitters: Uncertain significance (3). Last evaluated 2025-06-03.

Conditions:
Primary ciliary dyskinesia. Also called: Ciliary dyskinesia. Identifiers: Orphanet 244, MedGen C0008780, MONDO:0016575, HP:0012265.

Allele frequency attached by ClinVar (database versions not stated): ExAC 0.00001; TOPMed 0.00002; gnomAD exomes 0.00003.
gnomAD v4.1: 42 of 1,614,216 alleles (0.0026%); highest among the groups gnomAD compares: Non-Finnish European, 0.0033%; no homozygotes.

Submissions (3):

GeneDx
Classification: Uncertain significance. Last evaluated: 2025-06-03. Review status: criteria provided, single submitter. Criteria: GeneDx Variant Classification Process June 2021. Collection method: clinical testing. Allele origin: germline. Affected: yes.
Comment: Not observed at significant frequency in large population cohorts (gnomAD); In silico analysis suggests that this missense variant does not alter protein structure/function; Has not been previously published as pathogenic or benign to our knowledge

Ambry Genetics
Classification: Uncertain significance for Primary ciliary dyskinesia. Last evaluated: 2023-11-18. Review status: criteria provided, single submitter. Criteria: Ambry Variant Classification Scheme 2023. Collection method: clinical testing. Allele origin: germline.
Comment: The p.S3272N variant (also known as c.9815G>A), located in coding exon 58 of the DNAH5 gene, results from a G to A substitution at nucleotide position 9815. The serine at codon 3272 is replaced by asparagine, an amino acid with highly similar properties. This amino acid position is conserved. In addition, this alteration is predicted to be tolerated by in silico analysis. Since supporting evidence is limited at this time, the clinical significance of this alteration remains unclear.

Labcorp Genetics (formerly Invitae), Labcorp
Classification: Uncertain significance for Primary ciliary dyskinesia. Last evaluated: 2022-05-12. Review status: criteria provided, single submitter. Criteria: Invitae Variant Classification Sherloc (09022015). Collection method: clinical testing. Allele origin: germline.
Comment: This sequence change replaces serine, which is neutral and polar, with asparagine, which is neutral and polar, at codon 3272 of the DNAH5 protein (p.Ser3272Asn). This variant is present in population databases (rs771279662, gnomAD 0.002%). This variant has not been reported in the literature in individuals affected with DNAH5-related conditions. Advanced modeling of protein sequence and biophysical properties (such as structural, functional, and spatial information, amino acid conservation, physicochemical variation, residue mobility, and thermodynamic stability) performed at Invitae indicates that this missense variant is not expected to disrupt DNAH5 protein function. In summary, the available evidence is currently insufficient to determine the role of this variant in disease. Therefore, it has been classified as a Variant of Uncertain Significance.

NM_001369.3(DNAH5):c.9815G>A (p.Ser3272Asn)

Gene: DNAH5 (dynein axonemal heavy chain 5; minus strand). Cytogenetic location: 5p15.2.
Variant type: single nucleotide variant.
Coding change: c.9815G>A on transcript NM_001369.3 (MANE Select); coding-DNA position 9815, G replaced by A.
Protein change: p.Ser3272Asn; replaces serine 3272 with asparagine.
Molecular consequence: missense variant.
Genome position (GRCh38, 1-based): chr5:13,769,042, C>T on the plus strand (G>A on the coding strand, the complement: DNAH5 is on the minus strand). VCF-style: chr5-13769042-C-T. GRCh37 (hg19) VCF-style: chr5-13769151-C-T.
Other names: c.9815G>A (NM_001369.2); short protein forms S3272N.
Identifiers: ClinVar variation 2203195 (VCV002203195.3), dbSNP rs771279662, ClinGen allele CA3202422.